The following is an entry in ClinVar:

NM_000256.3(MYBPC3):c.53C>A (p.Ser18Ter)

Gene: MYBPC3 (myosin binding protein C3; minus strand). Cytogenetic location: 11p11.2.
Variant type: single nucleotide variant.
Coding change: c.53C>A on transcript NM_000256.3 (MANE Select); coding-DNA position 53, C replaced by A.
Protein change: p.Ser18Ter; replaces serine 18 with a stop codon.
Molecular consequence: nonsense.
Genome position (GRCh38, 1-based): chr11:47,351,478, G>T on the plus strand (C>A on the coding strand, the complement: MYBPC3 is on the minus strand). VCF-style: chr11-47351478-G-T. GRCh37 (hg19) VCF-style: chr11-47373029-G-T.
Other names: short protein forms S18*.
Identifiers: ClinVar variation 2773777 (VCV002773777.3), dbSNP rs1320775536, ClinGen allele CA380342022.

ClinVar aggregate classification (germline): Pathogenic. Review status: criteria provided, multiple submitters, no conflicts (2 of 4 stars). 2 submissions from 2 submitters: Pathogenic (2). Last evaluated 2023-08-15.

Conditions:
Cardiomyopathy (CMYO). Also called: Cardiomyopathies. Identifiers: Orphanet 167848, MedGen C0878544, MONDO:0004994, HP:0001638. Inheritance: Various modes of inheritance.
Hypertrophic cardiomyopathy. Also called: HYPERTROPHIC MYOCARDIOPATHY. Identifiers: Orphanet 217569, MedGen C0007194, MeSH D002312, MONDO:0005045, HP:0001639.

Submissions (2):

All of Us Research Program, National Institutes of Health
Classification: Pathogenic for Hypertrophic cardiomyopathy. Last evaluated: 2023-08-15. Review status: criteria provided, single submitter. Criteria: ACMG Guidelines, 2015. Collection method: clinical testing. Allele origin: germline. Inheritance: Autosomal dominant inheritance. Observed: 1 variant allele, 1 heterozygote.
Comment: This variant changes 1 nucleotide in exon 2 in the Ig-like domain C0 of the MYBPC3 gene, creating a premature translation stop signal. This variant is expected to result in an absent or non-functional protein product. To our knowledge, this variant has not been reported in individuals affected with MYBPC3-related disorders in the literature. This variant has not been identified in the general population by the Genome Aggregation Database (gnomAD). Loss of MYBPC3 function is a known mechanism of disease. Based on the available evidence, this variant is classified as Pathogenic.

This study involves interpretation of variants in research participants for the purpose of population health screening. Participant phenotype was not available at the time of variant classification. Additional details can be found in publication PMID: 35346344, PMCID: PMC8962531

Color Diagnostics, LLC DBA Color Health
Classification: Pathogenic for Cardiomyopathy. Last evaluated: 2023-06-14. Review status: criteria provided, single submitter. Criteria: ACMG Guidelines, 2015. Collection method: clinical testing. Allele origin: germline.
Comment: This variant changes 1 nucleotide in exon 2 in the Ig-like domain C0 of the MYBPC3 gene, creating a premature translation stop signal. This variant is expected to result in an absent or non-functional protein product. To our knowledge, this variant has not been reported in individuals affected with MYBPC3-related disorders in the literature. This variant has not been identified in the general population by the Genome Aggregation Database (gnomAD). Loss of MYBPC3 function is a known mechanism of disease. Based on the available evidence, this variant is classified as Pathogenic.